The following is an entry in ClinVar:

NM_001292063.2(OTOG):c.8472T>C (p.Asp2824=)

Gene: OTOG (otogelin; plus strand). Cytogenetic location: 11p15.1.
Variant type: single nucleotide variant.
Coding change: c.8472T>C on transcript NM_001292063.2 (MANE Select); coding-DNA position 8472, T replaced by C.
Protein change: p.Asp2824=; no amino-acid change (aspartic acid 2824 retained).
Molecular consequence: synonymous variant.
Genome position (GRCh38, 1-based): chr11:17,645,574, T>C. VCF-style: chr11-17645574-T-C. GRCh37 (hg19) VCF-style: chr11-17667121-T-C.
Other names: p.Asp2836Asp; c.8508T>C, p.Asp2836= (NM_001277269.2).
Identifiers: ClinVar variation 514687 (VCV000514687.15), dbSNP rs940623349, ClinGen allele CA218458395.
Genomic context (GRCh38, chr11:17,645,574, plus strand): 5'-CGAAGAAGCCTGGTCTTGGCCACAGCTGCCTCATCCCCCTGTCCCCCCAGGTAAGGAGGA[T>C]GGGCGCTCCTGCAAGAAGGTGACCATCCGCATGACCATCCGCAAGAATGAATGCAGGAGC-3'
Protein context (NP_001278992.1, residues 2814-2834): LEGCCRTCKE[Asp2824=]GRSCKKVTIR

ClinVar aggregate classification (germline): Benign/Likely benign. Review status: criteria provided, multiple submitters, no conflicts (2 of 4 stars). 4 submissions from 4 submitters: Benign (1); Likely benign (3). Last evaluated 2026-05-27.

Conditions:
OTOG-related disorder. Also called: OTOG-related condition.

Allele frequency attached by ClinVar (database versions not stated): gnomAD 0.00004; gnomAD exomes 0.00006 and 0.00043; TOPMed 0.00020.
gnomAD v4.1: 85 of 1,550,486 alleles (0.0055%); highest among the groups gnomAD compares: Admixed American, 0.15%; no homozygotes.

Submissions (4):

PreventionGenetics, part of Exact Sciences
Classification: Likely benign for OTOG-related condition. Last evaluated: 2026-05-27. Review status: criteria provided, single submitter. Criteria: ACMG Guidelines, 2015. Collection method: clinical testing. Allele origin: germline.
Comment: This variant is classified as likely benign based on ACMG/AMP sequence variant interpretation guidelines (Richards et al. 2015 PMID: 25741868, with internal and published modifications).

Labcorp Genetics (formerly Invitae), Labcorp
Classification: Benign. Last evaluated: 2025-05-15. Review status: criteria provided, single submitter. Criteria: Invitae Variant Classification Sherloc (09022015). Collection method: clinical testing. Allele origin: germline.

GeneDx
Classification: Likely benign. Last evaluated: 2021-09-21. Review status: criteria provided, single submitter. Criteria: GeneDx Variant Classification Process June 2021. Collection method: clinical testing. Allele origin: germline. Affected: yes.

Laboratory for Molecular Medicine, Mass General Brigham Personalized Medicine
Classification: Likely benign. Last evaluated: 2018-03-30. Review status: criteria provided, single submitter. Criteria: LMM Criteria. Collection method: clinical testing. Allele origin: germline. Observed: 1 variant allele.
Comment: p.Asp2836Asp in exon 54 of OTOG: This variant is classified as likely benign bec ause it does not alter an amino acid residue, is not located within the splice c onsensus sequence, and splice prediction algorithms do not predict a newly creat ed splice site. It has been identified in 0.2% (58/23834) of Latino chromosomes by the Genome Aggregation Database (gnomAD; db SNP rs940623349). ACMG/AMP Criteria applied: BS1_Supporting; BP4; BP7.